The following is an entry in ClinVar:

NM_130468.4(CHST14):c.1117G>T (p.Ala373Ser)

Gene: CHST14 (carbohydrate sulfotransferase 14; plus strand). Cytogenetic location: 15q15.1.
Variant type: single nucleotide variant.
Coding change: c.1117G>T on transcript NM_130468.4 (MANE Select); coding-DNA position 1117, G replaced by T.
Protein change: p.Ala373Ser; replaces alanine 373 with serine.
Molecular consequence: missense variant.
Genome position (GRCh38, 1-based): chr15:40,472,330, G>T. VCF-style: chr15-40472330-G-T. GRCh37 (hg19) VCF-style: chr15-40764529-G-T.
Other names: c.1117G>T (NM_130468.3); short protein forms A373S.
Identifiers: ClinVar variation 1492161 (VCV001492161.6), dbSNP rs748434505, ClinGen allele CA7481699.

ClinVar aggregate classification (germline): Uncertain significance. Review status: criteria provided, multiple submitters, no conflicts (2 of 4 stars). 2 submissions from 2 submitters: Uncertain significance (2). Last evaluated 2023-06-29.

Conditions:
Cardiovascular phenotype. Identifiers: MedGen CN230736.
Ehlers-Danlos syndrome, musculocontractural type (EDSMC). Also called: Adducted thumb, clubfoot, progressive joint and skin laxity syndrome; DUNDAR SYNDROME; ARTHROGRYPOSIS, DISTAL, WITH PECULIAR FACIES AND HYDRONEPHROSIS; ADDUCTED THUMB-CLUBFOOT SYNDROME. Identifiers: Orphanet 2953, MedGen C1866294, MONDO:0011142.

Allele frequency attached by ClinVar (database versions not stated): gnomAD exomes below 0.00001; ExAC 0.00001.

Submissions (2):

Ambry Genetics
Classification: Uncertain significance for Cardiovascular phenotype. Last evaluated: 2023-06-29. Review status: criteria provided, single submitter. Criteria: Ambry Variant Classification Scheme 2023. Collection method: clinical testing. Allele origin: germline.
Comment: The p.A373S variant (also known as c.1117G>T), located in coding exon 1 of the CHST14 gene, results from a G to T substitution at nucleotide position 1117. The alanine at codon 373 is replaced by serine, an amino acid with similar properties. This amino acid position is conserved. In addition, this alteration is predicted to be tolerated by in silico analysis. Since supporting evidence is limited at this time, the clinical significance of this alteration remains unclear.

Labcorp Genetics (formerly Invitae), Labcorp
Classification: Uncertain significance for Ehlers-Danlos syndrome, musculocontractural type. Last evaluated: 2021-09-17. Review status: criteria provided, single submitter. Criteria: Invitae Variant Classification Sherloc (09022015). Collection method: clinical testing. Allele origin: germline.
Comment: This sequence change replaces alanine with serine at codon 373 of the CHST14 protein (p.Ala373Ser). The alanine residue is moderately conserved and there is a moderate physicochemical difference between alanine and serine. This variant is present in population databases (rs748434505, ExAC 0.002%). This variant has not been reported in the literature in individuals affected with CHST14-related conditions. Algorithms developed to predict the effect of missense changes on protein structure and function (SIFT, PolyPhen-2, Align-GVGD) all suggest that this variant is likely to be tolerated. In summary, the available evidence is currently insufficient to determine the role of this variant in disease. Therefore, it has been classified as a Variant of Uncertain Significance.